The following is an entry in ClinVar:

ClinVar aggregate classification (germline): Uncertain significance. Review status: criteria provided, multiple submitters, no conflicts (2 of 4 stars). 2 submissions from 2 submitters: Uncertain significance (2). Last evaluated 2024-07-03.

Conditions:
Hereditary cancer-predisposing syndrome. Also called: Neoplastic Syndromes, Hereditary; Tumor predisposition; Hereditary Cancer Syndrome; Hereditary neoplastic syndrome. Identifiers: Orphanet 140162, MedGen C0027672, MeSH D009386, MONDO:0015356.
POLD1-related polyposis and colorectal cancer syndrome (CRCS10). Also called: Colorectal cancer 10; COLORECTAL CANCER, SUSCEPTIBILITY TO, ON CHROMOSOME 19q; Colorectal cancer, susceptibility to, 10. Identifiers: Orphanet 220460, MedGen C2675481, MONDO:0012953, OMIM 612591.

Submissions (2):

Ambry Genetics
Classification: Uncertain significance for Hereditary cancer-predisposing syndrome. Last evaluated: 2024-07-03. Review status: criteria provided, single submitter. Criteria: Ambry Variant Classification Scheme 2023. Collection method: clinical testing. Allele origin: germline.
Comment: The p.E905D variant (also known as c.2715G>C), located in coding exon 20 of the POLD1 gene, results from a G to C substitution at nucleotide position 2715. The glutamic acid at codon 905 is replaced by aspartic acid, an amino acid with highly similar properties. This amino acid position is conserved. In addition, this alteration is predicted to be tolerated by in silico analysis. Since supporting evidence is limited at this time, the clinical significance of this alteration remains unclear.

Labcorp Genetics (formerly Invitae), Labcorp
Classification: Uncertain significance for POLD1-related polyposis and colorectal cancer syndrome. Last evaluated: 2021-05-13. Review status: criteria provided, single submitter. Criteria: Invitae Variant Classification Sherloc (09022015). Collection method: clinical testing. Allele origin: germline.
Comment: In summary, the available evidence is currently insufficient to determine the role of this variant in disease. Therefore, it has been classified as a Variant of Uncertain Significance. Algorithms developed to predict the effect of missense changes on protein structure and function are either unavailable or do not agree on the potential impact of this missense change (SIFT: "Tolerated"; PolyPhen-2: "Possibly Damaging"; Align-GVGD: "Class C0"). This variant has not been reported in the literature in individuals with POLD1-related conditions. This variant is not present in population databases (ExAC no frequency). This sequence change replaces glutamic acid with aspartic acid at codon 905 of the POLD1 protein (p.Glu905Asp). The glutamic acid residue is moderately conserved and there is a small physicochemical difference between glutamic acid and aspartic acid.

NM_002691.4(POLD1):c.2715G>C (p.Glu905Asp)

Gene: POLD1 (DNA polymerase delta 1, catalytic subunit; plus strand). Cytogenetic location: 19q13.33.
Variant type: single nucleotide variant.
Coding change: c.2715G>C on transcript NM_002691.4 (MANE Select); coding-DNA position 2715, G replaced by C.
Protein change: p.Glu905Asp; replaces glutamic acid 905 with aspartic acid.
Molecular consequence: missense variant. On other transcripts: non-coding transcript variant (1).
Genome position (GRCh38, 1-based): chr19:50,415,588, G>C. VCF-style: chr19-50415588-G-C. GRCh37 (hg19) VCF-style: chr19-50918845-G-C.
Other names: c.2715G>C, p.Glu905Asp (NM_001256849.1); c.2793G>C, p.Glu931Asp (NM_001308632.1); short protein forms E905D, E931D.
Identifiers: ClinVar variation 1427488 (VCV001427488.11), dbSNP rs2039251614, ClinGen allele CA406985740.
Genomic context (GRCh38, chr19:50,415,588, plus strand): 5'-GGAGCTGACCCGCGCGGCCTCCGACTATGCCGGCAAGCAGGCCCACGTGGAGCTGGCCGA[G>C]AGGTCCTGCGCGGGGCGGGTGGCCTGGCCAGAAATAACCCCCTCCTTCCTGCCAGCTGGG-3'
Protein context (NP_002682.2, residues 895-915): AGKQAHVELA[Glu905Asp]RMRKRDPGSA